The following is an entry in ClinVar:

ClinVar aggregate classification (germline): Likely pathogenic (1 of 4 stars; one submission).

Conditions:
Kennedy disease (SMAX1). Also called: SPINAL AND BULBAR MUSCULAR ATROPHY, X-LINKED 1; KENNEDY SPINAL AND BULBAR MUSCULAR ATROPHY; Spinal and Bulbar Muscular Atrophy. Identifiers: Orphanet 481, MedGen C1839259, MONDO:0010735, OMIM 313200.
Androgen resistance syndrome (AIS). Also called: ANDROGEN RECEPTOR DEFICIENCY; DIHYDROTESTOSTERONE RECEPTOR DEFICIENCY; TESTICULAR FEMINIZATION SYNDROME; Androgen insensitivity syndrome; Androgen insensitivity; DHTR DEFICIENCY. Identifiers: Orphanet 754, Orphanet 99429, MedGen C0039585, MONDO:0019154, OMIM 300068. Disease mechanism: loss of function.

Submission:

Labcorp Genetics (formerly Invitae), Labcorp
Classification: Likely pathogenic for Kennedy disease; Androgen resistance syndrome. Last evaluated: 2024-12-13. Review status: criteria provided, single submitter. Criteria: Invitae Variant Classification Sherloc (09022015). Collection method: clinical testing. Allele origin: germline.
Comment: This sequence change replaces proline, which is neutral and non-polar, with leucine, which is neutral and non-polar, at codon 905 of the AR protein (p.Pro905Leu). This variant is not present in population databases (gnomAD no frequency). This variant has not been reported in the literature in individuals affected with AR-related conditions. Invitae Evidence Modeling of protein sequence and biophysical properties (such as structural, functional, and spatial information, amino acid conservation, physicochemical variation, residue mobility, and thermodynamic stability) indicates that this missense variant is expected to disrupt AR protein function with a positive predictive value of 95%. This variant disrupts the p.Pro905 amino acid residue in AR. Other variant(s) that disrupt this residue have been determined to be pathogenic (PMID: 1458719, 12843171; internal data). This suggests that this residue is clinically significant, and that variants that disrupt this residue are likely to be disease-causing. In summary, the currently available evidence indicates that the variant is pathogenic, but additional data are needed to prove that conclusively. Therefore, this variant has been classified as Likely Pathogenic.

Literature cited by the submitters: PubMed 1458719; PubMed 12843171.

NM_000044.6(AR):c.2714C>T (p.Pro905Leu)

Gene: AR (androgen receptor; plus strand). Cytogenetic location: Xq12.
Variant type: single nucleotide variant.
Coding change: c.2714C>T on transcript NM_000044.6 (MANE Select); coding-DNA position 2714, C replaced by T.
Protein change: p.Pro905Leu; replaces proline 905 with leucine.
Molecular consequence: missense variant.
Genome position (GRCh38, 1-based): chrX:67,723,792, C>T. VCF-style: chrX-67723792-C-T. GRCh37 (hg19) VCF-style: chrX-66943634-C-T.
Other names: c.1118C>T, p.Pro373Leu (NM_001011645.3); short protein forms P373L, P905L.
Identifiers: ClinVar variation 3760521 (VCV003760521.2).
Genomic context (GRCh38, chrX:67,723,792, plus strand): 5'-CACACATGGTGAGCGTGGACTTTCCGGAAATGATGGCAGAGATCATCTCTGTGCAAGTGC[C>T]CAAGATCCTTTCTGGGAAAGTCAAGCCCATCTATTTCCACACCCAGTGAAGCATTGGAAA-3'
Protein context (NP_000035.2, residues 895-915): MMAEIISVQV[Pro905Leu]KILSGKVKPI